The following is an entry in ClinVar:

ClinVar aggregate classification (germline): Uncertain significance (1 of 4 stars; one submission).

Conditions:
Hereditary cancer-predisposing syndrome. Also called: Hereditary neoplastic syndrome; Neoplastic Syndromes, Hereditary; Tumor predisposition; Hereditary Cancer Syndrome. Identifiers: Orphanet 140162, MedGen C0027672, MeSH D009386, MONDO:0015356.

Submission:

Ambry Genetics
Classification: Uncertain significance for Hereditary cancer-predisposing syndrome. Last evaluated: 2025-08-24. Review status: criteria provided, single submitter. Criteria: Ambry Variant Classification Scheme 2023. Collection method: clinical testing. Allele origin: germline.
Comment: The p.F401C variant (also known as c.1202T>G), located in coding exon 9 of the POLD1 gene, results from a T to G substitution at nucleotide position 1202. The phenylalanine at codon 401 is replaced by cysteine, an amino acid with highly dissimilar properties. This amino acid position is conserved. In addition, this alteration is predicted to be deleterious by in silico analysis. Based on the available evidence, the clinical significance of this variant remains unclear.

NM_002691.4(POLD1):c.1202T>G (p.Phe401Cys)

Gene: POLD1 (DNA polymerase delta 1, catalytic subunit; plus strand). Cytogenetic location: 19q13.33.
Variant type: single nucleotide variant.
Coding change: c.1202T>G on transcript NM_002691.4 (MANE Select); coding-DNA position 1202, T replaced by G.
Protein change: p.Phe401Cys; replaces phenylalanine 401 with cysteine.
Molecular consequence: missense variant. On other transcripts: non-coding transcript variant (1).
Genome position (GRCh38, 1-based): chr19:50,403,557, T>G. VCF-style: chr19-50403557-T-G. GRCh37 (hg19) VCF-style: chr19-50906814-T-G.
Other names: c.1202T>G, p.Phe401Cys (NM_001256849.1, NM_001308632.1, NM_001438210.1 and 3 more transcripts); short protein forms F401C.
Identifiers: ClinVar variation 4141029 (VCV004141029.1).